The following is an entry in ClinVar:

NC_000010.10:g.(?_73569557)_(73594282_?)dup

Genes: CDH23 (cadherin related 23; plus strand), PSAP (prosaposin; minus strand). Cytogenetic location: 10q22.1.
Variant type: Duplication.
Identifiers: ClinVar variation 1374213 (VCV001374213.1).

ClinVar aggregate classification (germline): Uncertain significance (1 of 4 stars; one submission).

Conditions:
Sphingolipid activator protein 1 deficiency. Also called: Saposin B Deficiency; METACHROMATIC LEUKODYSTROPHY DUE TO CEREBROSIDE SULFATASE ACTIVATOR DEFICIENCY; Metachromatic leukodystrophy due to saposin B deficiency. Identifiers: Orphanet 512, MedGen C0268262, MONDO:0009590, OMIM 249900.

Submission:

Labcorp Genetics (formerly Invitae), Labcorp
Classification: Uncertain significance for Sphingolipid activator protein 1 deficiency. Last evaluated: 2021-02-17. Review status: criteria provided, single submitter. Criteria: Invitae Variant Classification Sherloc (09022015). Collection method: clinical testing. Allele origin: germline.
Comment: This variant results in a copy number gain of the genomic region encompassing exon(s) 2-14 of the PSAP gene. The 5' boundary is likely confined to intron 1. The 3' end of this event is unknown as it extends beyond the assayed region for this gene and therefore may encompass additional genes. As the precise location of this event is unknown, it may be in tandem or it may be located elsewhere in the genome. This variant has not been reported in the literature in individuals with PSAP-related conditions. Experimental studies and prediction algorithms are not available or were not evaluated, and the functional significance of this variant is currently unknown. In summary, the available evidence is currently insufficient to determine the role of this variant in disease. Therefore, it has been classified as a Variant of Uncertain Significance.